The following is an entry in ClinVar:

NM_000218.3(KCNQ1):c.1110G>A (p.Ala370=)

Gene: KCNQ1 (potassium voltage-gated channel subfamily Q member 1; plus strand). Cytogenetic location: 11p15.5.
Variant type: single nucleotide variant.
Coding change: c.1110G>A on transcript NM_000218.3 (MANE Select); coding-DNA position 1110, G replaced by A.
Protein change: p.Ala370=; no amino-acid change (alanine 370 retained).
Molecular consequence: synonymous variant. On other transcripts: intron variant (2).
Genome position (GRCh38, 1-based): chr11:2,585,289, G>A. VCF-style: chr11-2585289-G-A. GRCh37 (hg19) VCF-style: chr11-2606519-G-A.
Other names: p.A370A:GCG>GCA; c.840G>A, p.Ala280= (NM_001406837.1); c.729G>A, p.Ala243= (NM_181798.2); c.1032+1744G>A (NM_001406836.1); c.588+1744G>A (NM_001406838.1).
Identifiers: ClinVar variation 200811 (VCV000200811.29), dbSNP rs1805118, ClinGen allele CA005293.

ClinVar aggregate classification (germline): Benign/Likely benign. Review status: criteria provided, multiple submitters, no conflicts (2 of 4 stars). 13 submissions from 10 submitters: Benign (5); Likely benign (7). 1 of the submissions does not count toward it. Last evaluated 2026-02-03.

Conditions:
Cardiovascular phenotype. Identifiers: MedGen CN230736.
KCNQ1-related disorder. Also called: KCNQ1-related disorders; KCNQ1-related condition. Identifiers: MedGen CN239322.
Cardiac arrhythmia. Also called: Arrhythmia; Cardiac rhythm disease. Identifiers: MedGen C0003811, MONDO:0007263, HP:0011675.
Beckwith-Wiedemann syndrome (BWS). Also called: Exomphalos macroglossia gigantism syndrome; EMG SYNDROME. Identifiers: Orphanet 116, MedGen C0004903, MONDO:0007534, OMIM 130650.
Jervell and Lange-Nielsen syndrome 1 (JLNS1). Also called: CARDIOAUDITORY SYNDROME OF JERVELL AND LANGE-NIELSEN; DEAFNESS, CONGENITAL, AND FUNCTIONAL HEART DISEASE; SURDO-CARDIAC SYNDROME; PROLONGED QT INTERVAL IN EKG AND SUDDEN DEATH. Identifiers: Orphanet 768, Orphanet 90647, MedGen C4551509, MONDO:0024540, OMIM 220400.
Long QT syndrome 1 (LQT1). Identifiers: Orphanet 101016, Orphanet 768, MedGen C4551647, MONDO:0100316, OMIM 192500, MONDO:0008646.
Short QT syndrome type 2. Identifiers: Orphanet 51083, MedGen C1865019, MONDO:0012313, OMIM 609621.
Atrial fibrillation, familial, 3 (ATFB3). Identifiers: MedGen C1837014, MONDO:0011857, OMIM 607554.
Long QT syndrome (LQTS). Identifiers: MedGen C0023976, MeSH D008133, MONDO:0002442. Disease mechanism: loss of function. Inheritance: Various modes of inheritance.

Allele frequency attached by ClinVar (database versions not stated): gnomAD 0.00014 and 0.00020; 1000 Genomes Project 30x 0.00016; 1000 Genomes Project 0.00020; ESP Exome Variant Server 0.00023; TOPMed 0.00028; ExAC 0.00034; gnomAD exomes 0.00036 and 0.00044.
gnomAD v4.1: 655 of 1,613,952 alleles (0.041%); highest among the groups gnomAD compares: East Asian, 1.2%; 6 homozygotes.

Submissions (13):

Labcorp Genetics (formerly Invitae), Labcorp
Classification: Benign for Long QT syndrome. Last evaluated: 2026-02-03. Review status: criteria provided, single submitter. Criteria: Invitae Variant Classification Sherloc (09022015). Collection method: clinical testing. Allele origin: germline.

Blueprint Genetics
Classification: Likely benign. Last evaluated: 2024-09-23. Review status: criteria provided, single submitter. Criteria: ACMG Guidelines, 2015. Collection method: clinical testing. Allele origin: germline.

All of Us Research Program, National Institutes of Health
Classification: Benign for Long QT syndrome. Last evaluated: 2024-02-05. Review status: criteria provided, single submitter. Criteria: ACMG Guidelines, 2015. Collection method: clinical testing. Allele origin: germline. Inheritance: Autosomal dominant inheritance. Observed: 37 variant alleles, 37 heterozygotes.
Comment: This study involves interpretation of variants in research participants for the purpose of population health screening. Participant phenotype was not available at the time of variant classification. Additional details can be found in publication PMID: 35346344, PMCID: PMC8962531

Fulgent Genetics
Classification: Likely benign for Beckwith-Wiedemann syndrome; Long QT syndrome 1; Jervell and Lange-Nielsen syndrome 1; Atrial fibrillation, familial, 3; Short QT syndrome type 2. Last evaluated: 2021-10-26. Review status: criteria provided, single submitter. Criteria: ACMG Guidelines, 2015. Collection method: clinical testing. Allele origin: unknown.

Ambry Genetics
Classification: Benign for Cardiovascular phenotype. Last evaluated: 2021-04-16. Review status: criteria provided, single submitter. Criteria: Ambry Variant Classification Scheme 2023. Collection method: clinical testing. Allele origin: germline.

Illumina Laboratory Services, Illumina
Classification: Likely benign for Atrial fibrillation, familial, 3. Last evaluated: 2018-09-12. Review status: criteria provided, single submitter. Criteria: ICSL Variant Classification Criteria 13 December 2019. Collection method: clinical testing. Allele origin: germline.
Comment: This variant was observed as part of a predisposition screen in an ostensibly healthy population. A literature search was performed for the gene, cDNA change, and amino acid change (where applicable). Publications were found based on this search. The evidence from the literature, in combination with allele frequency data from public databases where available, was sufficient to determine this variant is unlikely to cause disease. Therefore, this variant is classified as likely benign.

Illumina Laboratory Services, Illumina
Classification: Likely benign for Jervell and Lange-Nielsen syndrome 1. Last evaluated: 2018-09-12. Review status: criteria provided, single submitter. Criteria: ICSL Variant Classification Criteria 13 December 2019. Collection method: clinical testing. Allele origin: germline.
Comment: the same text as in the submission from Illumina Laboratory Services, Illumina above.

Illumina Laboratory Services, Illumina
Classification: Likely benign for Short QT syndrome type 2. Last evaluated: 2018-09-12. Review status: criteria provided, single submitter. Criteria: ICSL Variant Classification Criteria 13 December 2019. Collection method: clinical testing. Allele origin: germline.
Comment: the same text as in the submission from Illumina Laboratory Services, Illumina above.

Illumina Laboratory Services, Illumina
Classification: Likely benign for Long QT syndrome 1. Last evaluated: 2018-09-12. Review status: criteria provided, single submitter. Criteria: ICSL Variant Classification Criteria 13 December 2019. Collection method: clinical testing. Allele origin: germline.
Comment: the same text as in the submission from Illumina Laboratory Services, Illumina above.

Color Diagnostics, LLC DBA Color Health
Classification: Benign for Arrhythmia. Last evaluated: 2018-03-08. Review status: criteria provided, single submitter. Criteria: ACMG Guidelines, 2015. Collection method: clinical testing. Allele origin: germline.

GeneDx
Classification: Benign. Last evaluated: 2014-10-10. Review status: criteria provided, single submitter. Criteria: GeneDx Variant Classification (06012015). Collection method: clinical testing. Allele origin: germline. Affected: yes.
Comment: This variant is considered likely benign or benign based on one or more of the following criteria: it is a conservative change, it occurs at a poorly conserved position in the protein, it is predicted to be benign by multiple in silico algorithms, and/or has population frequency not consistent with disease.

Laboratory for Molecular Medicine, Mass General Brigham Personalized Medicine
Classification: Likely benign. Last evaluated: 2012-05-07. Review status: criteria provided, single submitter. Criteria: LMM Criteria. Collection method: clinical testing. Allele origin: germline. Observed: 1 variant allele.
Comment: "Ala370Ala in Exon 08 of KCNQ1: This variant is not expected to have clinical si gnificance because it does not alter an amino acid residue, is not located withi n the splice consensus sequence, and has been identified in 2.3% (4/174) of chro mosomes from a population in the dbSNP database (jects/SNP; rs1805118)."

PreventionGenetics, part of Exact Sciences
Classification: Likely benign for KCNQ1-related condition. Last evaluated: 2024-05-10. Review status: no assertion criteria provided. Collection method: clinical testing. Allele origin: germline. Not counted in ClinVar's aggregate classification.
Comment: This variant is classified as likely benign based on ACMG/AMP sequence variant interpretation guidelines (Richards et al. 2015 PMID: 25741868, with internal and published modifications).

Literature cited by the submitters: PubMed 18426444 (cited by Illumina Laboratory Services, Illumina); PubMed 21779290 (cited by Illumina Laboratory Services, Illumina); PubMed 23890619 (cited by Illumina Laboratory Services, Illumina); PubMed 20851114 (cited by Illumina Laboratory Services, Illumina); PubMed 10807545 (cited by Illumina Laboratory Services, Illumina).